The following is an entry in ClinVar:

ClinVar aggregate classification (germline): Conflicting classifications of pathogenicity. Review status: criteria provided, conflicting classifications (1 of 4 stars). 5 submissions from 5 submitters: Pathogenic (1); Likely pathogenic (3); Uncertain significance (1). Last evaluated 2025-03-19.

Conditions:
Spastic paraplegia. Identifiers: MedGen C0037772, HP:0001258.
Leukodystrophy, hypomyelinating, 2. Also called: PELIZAEUS-MERZBACHER-LIKE DISEASE, 1. Identifiers: Orphanet 280270, Orphanet 280282, MedGen C1837355, MONDO:0012125, OMIM 608804.

Allele frequency attached by ClinVar (database versions not stated): gnomAD 0.00005; TOPMed 0.00008.
gnomAD v4.1: 9 of 1,612,532 alleles (0.00056%); highest among the groups gnomAD compares: East Asian, 0.0022%; no homozygotes.

Submissions (5):

Women's Health and Genetics/Laboratory Corporation of America, LabCorp
Classification: Uncertain significance. Last evaluated: 2025-03-19. Review status: criteria provided, single submitter. Criteria: LabCorp Variant Classification Summary - May 2015. Collection method: clinical testing. Allele origin: germline.
Comment: Variant summary: GJC2 c.203A>G (p.Tyr68Cys) results in a non-conservative amino acid change in the encoded protein sequence. Five of five in-silico tools predict a damaging effect of the variant on protein function. The variant was absent in 246454 control chromosomes. c.203A>G has been reported in the literature in individuals affected with Hypomyelinating Leukodystrophy 2 and segregated with disease in at least one family (Helman_2020, Labcorp (formerly Invitae)). These data indicate that the variant may be associated with disease. To our knowledge, no experimental evidence demonstrating an impact on protein function has been reported. The following publications have been ascertained in the context of this evaluation (PMID: 31912665). ClinVar contains an entry for this variant (Variation ID: 1472061). Based on the evidence outlined above, the variant was classified as VUS-possibly pathogenic.

Mayo Clinic Laboratories, Mayo Clinic
Classification: Likely pathogenic. Last evaluated: 2024-05-29. Review status: criteria provided, single submitter. Criteria: ACMG Guidelines, 2015. Collection method: clinical testing. Allele origin: germline. Observed: 1 variant allele.
Comment: PP3, PM2, PM3, PS4_moderate

Labcorp Genetics (formerly Invitae), Labcorp
Classification: Pathogenic for Spastic paraplegia. Last evaluated: 2022-04-26. Review status: criteria provided, single submitter. Criteria: Invitae Variant Classification Sherloc (09022015). Collection method: clinical testing. Allele origin: germline.
Comment: For these reasons, this variant has been classified as Pathogenic. Algorithms developed to predict the effect of missense changes on protein structure and function (SIFT, PolyPhen-2, Align-GVGD) all suggest that this variant is likely to be disruptive. This missense change has been observed in individuals with clinical features of autosomal recessive hereditary spastic paraplegia and/or leukoencephalopathy (PMID: 31028937, 31912665; Invitae). It has also been observed to segregate with disease in related individuals. This variant is not present in population databases (gnomAD no frequency). This sequence change replaces tyrosine, which is neutral and polar, with cysteine, which is neutral and slightly polar, at codon 68 of the GJC2 protein (p.Tyr68Cys).

Molecular Diagnostics Lab, Nemours Children's Health, Delaware
Classification: Likely pathogenic for Leukodystrophy, hypomyelinating, 2. Last evaluated: 2021-04-16. Review status: criteria provided, single submitter. Criteria: ACMG Guidelines, 2015. Collection method: clinical testing. Allele origin: maternal, unknown. Inheritance: Autosomal recessive inheritance. Observed: 2 heterozygotes.
Comment: This missense variant (c.203A>G, p.Tyr68Cys) has not been observed in population databases (gnomAD). It has been reported to occur in trans with another likely pathogenic change (c.916_928dup) in an affected individual (PMID 31912665). Variant prediction programs suggest a deleterious effect, but no functional studies have been reported.

Neuberg Centre For Genomic Medicine, NCGM
Classification: Likely pathogenic for Leukodystrophy, hypomyelinating, 2. Review status: criteria provided, single submitter. Criteria: ACMG Guidelines, 2015. Collection method: clinical testing. Allele origin: germline. Inheritance: Autosomal recessive inheritance. Affected: yes.
Comment: This missense change variant c.203A>G (p.Tyr68Cys) in GJC2 gene has been observed in individuals with clinical features of autosomal recessive hereditary spastic paraplegia and/or leukoencephalopathy (Helman et al., 2020; Crowgey et al., 2019). This variant has been submitted to ClinVar as a Variant of Uncertain Significance. The p.Tyr68Cys variant is novel (not in any individuals) in gnomAD Exomes and 1000 Genomes. The amino acid Tyr at position 68 is changed to a Cys changing protein sequence and it might alter its composition and physico-chemical properties. The amino acid change p.Tyr68Cys in GJC2 is predicted as conserved by GERP++ and PhyloP across 100 vertebrates. For these reasons, this variant has been classified as Likely Pathogenic.

Literature cited by the submitters: PubMed 31912665 (cited by 4 submitters); PubMed 31028937 (cited by Mayo Clinic Laboratories, Mayo Clinic and Labcorp Genetics (formerly Invitae), Labcorp); PubMed 34532947 (cited by Mayo Clinic Laboratories, Mayo Clinic); PubMed 35442562 (cited by Mayo Clinic Laboratories, Mayo Clinic).

NM_020435.4(GJC2):c.203A>G (p.Tyr68Cys)

Gene: GJC2 (gap junction protein gamma 2; plus strand). Cytogenetic location: 1q42.13.
Variant type: single nucleotide variant.
Coding change: c.203A>G on transcript NM_020435.4 (MANE Select); coding-DNA position 203, A replaced by G.
Protein change: p.Tyr68Cys; replaces tyrosine 68 with cysteine.
Molecular consequence: missense variant.
Genome position (GRCh38, 1-based): chr1:228,157,961, A>G. VCF-style: chr1-228157961-A-G. GRCh37 (hg19) VCF-style: chr1-228345662-A-G.
Other names: p.Tyr68Cys; c.203A>G (NM_020435.3); short protein forms Y68C.
Identifiers: ClinVar variation 1472061 (VCV001472061.10), dbSNP rs1031720654, ClinGen allele CA38727371.